The following is an entry in ClinVar:

NC_000016.10:g.(?_89748641)_(89765076_?)del

Gene: FANCA (FA complementation group A; minus strand). Cytogenetic location: 16q24.3.
Variant type: Deletion.
Identifiers: ClinVar variation 832294 (VCV000832294.1).

ClinVar aggregate classification (germline): Pathogenic (1 of 4 stars; one submission).

Conditions:
Fanconi anemia (FA). Also called: Fanconi's anemia. Identifiers: Orphanet 84, MedGen C0015625, MeSH D005199, MONDO:0019391.

Submission:

Labcorp Genetics (formerly Invitae), Labcorp
Classification: Pathogenic for Fanconi anemia. Last evaluated: 2019-06-07. Review status: criteria provided, single submitter. Criteria: Invitae Variant Classification Sherloc (09022015). Collection method: clinical testing. Allele origin: germline.
Comment: This variant is an in-frame deletion of the genomic region encompassing exons 28-33 of the FANCA gene. It preserves the integrity of the reading frame. This variant has not been reported in the literature in individuals with FANCA-related conditions. Sub-genic deletion of exon 30 has been determined to be pathogenic (PMID: 10094191, 15059067, 15523645). Therefore, deletions that fully encompass that region are also expected to be pathogenic. For these reasons, this variant has been classified as Pathogenic.

Literature cited by the submitters: PubMed 15523645; PubMed 10094191; PubMed 15059067.